The following is an entry in ClinVar:

ClinVar aggregate classification (germline): Likely benign. Review status: criteria provided, single submitter (1 of 4 stars). 2 submissions from 2 submitters: Likely benign (1). 1 of the submissions does not count toward it. Last evaluated 2023-08-09.

Conditions:
CSPP1-related disorder. Also called: CSPP1-related condition.
Joubert syndrome 21 (JBTS21). Identifiers: MedGen C3810212, MONDO:0014288, OMIM 615636.

Allele frequency attached by ClinVar (database versions not stated): TOPMed 0.00002; ExAC 0.00005.

Submissions (2):

Labcorp Genetics (formerly Invitae), Labcorp
Classification: Likely benign for Joubert syndrome 21. Last evaluated: 2023-08-09. Review status: criteria provided, single submitter. Criteria: Invitae Variant Classification Sherloc (09022015). Collection method: clinical testing. Allele origin: germline.

PreventionGenetics, part of Exact Sciences
Classification: Likely benign for CSPP1-related condition. Last evaluated: 2019-03-25. Review status: no assertion criteria provided. Collection method: clinical testing. Allele origin: germline. Not counted in ClinVar's aggregate classification.
Comment: This variant is classified as likely benign based on ACMG/AMP sequence variant interpretation guidelines (Richards et al. 2015 PMID: 25741868, with internal and published modifications).

NM_001382391.1(CSPP1):c.903G>A (p.Ser301=)

Gene: CSPP1 (centrosome and spindle pole associated protein 1; plus strand). Cytogenetic location: 8q13.1.
Variant type: single nucleotide variant.
Coding change: c.903G>A on transcript NM_001382391.1 (MANE Select); coding-DNA position 903, G replaced by A.
Protein change: p.Ser301=; no amino-acid change (serine 301 retained).
Molecular consequence: synonymous variant.
Genome position (GRCh38, 1-based): chr8:67,095,712, G>A. VCF-style: chr8-67095712-G-A. GRCh37 (hg19) VCF-style: chr8-68007947-G-A.
Other names: c.48G>A, p.Ser16= (NM_001291339.2); c.822G>A, p.Ser274= (NM_001363131.2, NM_001363133.2); c.903G>A, p.Ser301= (NM_001363132.2); c.1011G>A, p.Ser337= (NM_001364869.1); c.930G>A, p.Ser310= (NM_001364870.1, NM_024790.7).
Identifiers: ClinVar variation 1896908 (VCV001896908.7), dbSNP rs767766602, ClinGen allele CA4770379.